The following is an entry in ClinVar:

ClinVar aggregate classification (germline): Uncertain significance (1 of 4 stars; one submission).

Submission:

Labcorp Genetics (formerly Invitae), Labcorp
Classification: Uncertain significance. Last evaluated: 2024-06-29. Review status: criteria provided, single submitter. Criteria: Invitae Variant Classification Sherloc (09022015). Collection method: clinical testing. Allele origin: germline.
Comment: This sequence change replaces leucine, which is neutral and non-polar, with methionine, which is neutral and non-polar, at codon 1251 of the SETBP1 protein (p.Leu1251Met). This variant is not present in population databases (gnomAD no frequency). This variant has not been reported in the literature in individuals affected with SETBP1-related conditions. Advanced modeling of protein sequence and biophysical properties (such as structural, functional, and spatial information, amino acid conservation, physicochemical variation, residue mobility, and thermodynamic stability) performed at Invitae indicates that this missense variant is not expected to disrupt SETBP1 protein function with a negative predictive value of 80%. In summary, the available evidence is currently insufficient to determine the role of this variant in disease. Therefore, it has been classified as a Variant of Uncertain Significance.

NM_015559.3(SETBP1):c.3751T>A (p.Leu1251Met)

Gene: SETBP1 (SET binding protein 1; plus strand). Cytogenetic location: 18q12.3.
Variant type: single nucleotide variant.
Coding change: c.3751T>A on transcript NM_015559.3 (MANE Select); coding-DNA position 3751, T replaced by A.
Protein change: p.Leu1251Met; replaces leucine 1251 with methionine.
Molecular consequence: missense variant.
Genome position (GRCh38, 1-based): chr18:44,953,091, T>A. VCF-style: chr18-44953091-T-A. GRCh37 (hg19) VCF-style: chr18-42533056-T-A.
Other names: c.3751T>A, p.Leu1251Met (NM_001379141.1, NM_001379142.1, NM_001410862.1); short protein forms L1251M.
Identifiers: ClinVar variation 3658191 (VCV003658191.2).